The following is an entry in ClinVar:

NM_006944.3(SPP2):c.75G>C (p.Trp25Cys)

Gene: SPP2 (secreted phosphoprotein 2; plus strand). Cytogenetic location: 2q37.1.
Variant type: single nucleotide variant.
Coding change: c.75G>C on transcript NM_006944.3 (MANE Select); coding-DNA position 75, G replaced by C.
Protein change: p.Trp25Cys; replaces tryptophan 25 with cysteine.
Molecular consequence: missense variant.
Genome position (GRCh38, 1-based): chr2:234,050,861, G>C. VCF-style: chr2-234050861-G-C. GRCh37 (hg19) VCF-style: chr2-234959505-G-C.
Other names: short protein forms W25C.
Identifiers: ClinVar variation 1449263 (VCV001449263.6), dbSNP rs1209574905, ClinGen allele CA351098696.

ClinVar aggregate classification (germline): Uncertain significance (1 of 4 stars; one submission).

Submission:

Labcorp Genetics (formerly Invitae), Labcorp
Classification: Uncertain significance. Last evaluated: 2021-11-19. Review status: criteria provided, single submitter. Criteria: Invitae Variant Classification Sherloc (09022015). Collection method: clinical testing. Allele origin: germline.
Comment: In summary, the available evidence is currently insufficient to determine the role of this variant in disease. Therefore, it has been classified as a Variant of Uncertain Significance. Algorithms developed to predict the effect of missense changes on protein structure and function (SIFT, PolyPhen-2, Align-GVGD) all suggest that this variant is likely to be tolerated. This variant has not been reported in the literature in individuals affected with SPP2-related conditions. This variant is not present in population databases (gnomAD no frequency). This sequence change replaces tryptophan, which is neutral and slightly polar, with cysteine, which is neutral and slightly polar, at codon 25 of the SPP2 protein (p.Trp25Cys).